The following is an entry in ClinVar:

ClinVar aggregate classification (germline): Uncertain significance (1 of 4 stars; one submission).

Submission:

Labcorp Genetics (formerly Invitae), Labcorp
Classification: Uncertain significance. Last evaluated: 2023-02-27. Review status: criteria provided, single submitter. Criteria: Invitae Variant Classification Sherloc (09022015). Collection method: clinical testing. Allele origin: germline.
Comment: In summary, the available evidence is currently insufficient to determine the role of this variant in disease. Therefore, it has been classified as a Variant of Uncertain Significance. Experimental studies have shown that this missense change affects RHO function (PMID: 30977563). Advanced modeling of protein sequence and biophysical properties (such as structural, functional, and spatial information, amino acid conservation, physicochemical variation, residue mobility, and thermodynamic stability) performed at Invitae indicates that this missense variant is expected to disrupt RHO protein function. This missense change has been observed in individuals with autosomal dominant retinitis pigmentosa (PMID: 10874327, 16170112). This variant is not present in population databases (gnomAD no frequency). This sequence change replaces threonine, which is neutral and polar, with proline, which is neutral and non-polar, at codon 289 of the RHO protein (p.Thr289Pro).

Literature cited by the submitters: PubMed 30977563; PubMed 10874327; PubMed 16170112.

NM_000539.3(RHO):c.865A>C (p.Thr289Pro)

Gene: RHO (rhodopsin; plus strand). Cytogenetic location: 3q22.1.
Variant type: single nucleotide variant.
Coding change: c.865A>C on transcript NM_000539.3 (MANE Select); coding-DNA position 865, A replaced by C.
Protein change: p.Thr289Pro; replaces threonine 289 with proline.
Molecular consequence: missense variant.
Genome position (GRCh38, 1-based): chr3:129,532,701, A>C. VCF-style: chr3-129532701-A-C. GRCh37 (hg19) VCF-style: chr3-129251544-A-C.
Other names: short protein forms T289P.
Identifiers: ClinVar variation 2734565 (VCV002734565.3), dbSNP rs753036982, ClinGen allele CA354470659.